The following is an entry in ClinVar:

ClinVar aggregate classification (germline): Likely benign. Review status: criteria provided, multiple submitters, no conflicts (2 of 4 stars). 4 submissions from 4 submitters: Likely benign (4). Last evaluated 2023-09-04.

Conditions:
Catecholaminergic polymorphic ventricular tachycardia (CVPT). Also called: Catecholamine-induced polymorphic ventricular tachycardia. Identifiers: Orphanet 3286, MedGen C5574922, MONDO:0017990.
Cardiomyopathy (CMYO). Also called: Cardiomyopathies. Identifiers: Orphanet 167848, MedGen C0878544, MONDO:0004994, HP:0001638. Inheritance: Various modes of inheritance.
Catecholaminergic polymorphic ventricular tachycardia 1. Also called: VENTRICULAR TACHYCARDIA, CATECHOLAMINERGIC POLYMORPHIC, 1, WITH OR WITHOUT ATRIAL DYSFUNCTION AND/OR DILATED CARDIOMYOPATHY; VENTRICULAR TACHYCARDIA, STRESS-INDUCED POLYMORPHIC 1; RYR2-Related Catecholaminergic Polymorphic Ventricular Tachycardia. Identifiers: Orphanet 3286, MedGen C1631597, MONDO:0011484, OMIM 604772.
Cardiovascular phenotype. Identifiers: MedGen CN230736.

Allele frequency attached by ClinVar (database versions not stated): gnomAD exomes below 0.00001.
gnomAD v4.1: 1 of 1,614,030 alleles (0.000062%); highest among the groups gnomAD compares: Non-Finnish European, 0.000085%; no homozygotes.

Submissions (4):

All of Us Research Program, National Institutes of Health
Classification: Likely benign for Catecholaminergic polymorphic ventricular tachycardia. Last evaluated: 2023-09-04. Review status: criteria provided, single submitter. Criteria: ACMG Guidelines, 2015. Collection method: clinical testing. Allele origin: germline. Inheritance: Autosomal dominant inheritance. Observed: 1 variant allele, 1 heterozygote.
Comment: This study involves interpretation of variants in research participants for the purpose of population health screening. Participant phenotype was not available at the time of variant classification. Additional details can be found in publication PMID: 35346344, PMCID: PMC8962531

Labcorp Genetics (formerly Invitae), Labcorp
Classification: Likely benign for Catecholaminergic polymorphic ventricular tachycardia 1. Last evaluated: 2023-07-12. Review status: criteria provided, single submitter. Criteria: Invitae Variant Classification Sherloc (09022015). Collection method: clinical testing. Allele origin: germline.

Color Diagnostics, LLC DBA Color Health
Classification: Likely benign for Cardiomyopathy. Last evaluated: 2022-11-06. Review status: criteria provided, single submitter. Criteria: ACMG Guidelines, 2015. Collection method: clinical testing. Allele origin: germline.

Ambry Genetics
Classification: Likely benign for Cardiovascular phenotype. Last evaluated: 2021-11-15. Review status: criteria provided, single submitter. Criteria: Ambry Variant Classification Scheme 2023. Collection method: clinical testing. Allele origin: germline.

NM_001035.3(RYR2):c.5469G>A (p.Lys1823=)

Gene: RYR2 (ryanodine receptor 2; plus strand). Cytogenetic location: 1q43.
Variant type: single nucleotide variant.
Coding change: c.5469G>A on transcript NM_001035.3 (MANE Select); coding-DNA position 5469, G replaced by A.
Protein change: p.Lys1823=; no amino-acid change (lysine 1823 retained).
Molecular consequence: synonymous variant.
Genome position (GRCh38, 1-based): chr1:237,614,597, G>A. VCF-style: chr1-237614597-G-A. GRCh37 (hg19) VCF-style: chr1-237777897-G-A.
Identifiers: ClinVar variation 1747705 (VCV001747705.7), dbSNP rs2546795873, ClinGen allele CA424031047.